The following is an entry in ClinVar:

ClinVar aggregate classification (germline): Uncertain significance (1 of 4 stars; one submission).

Conditions:
Hereditary cancer-predisposing syndrome. Also called: Neoplastic Syndromes, Hereditary; Hereditary Cancer Syndrome; Hereditary neoplastic syndrome; Tumor predisposition. Identifiers: Orphanet 140162, MedGen C0027672, MeSH D009386, MONDO:0015356.

Submission:

Ambry Genetics
Classification: Uncertain significance for Hereditary cancer-predisposing syndrome. Last evaluated: 2023-03-30. Review status: criteria provided, single submitter. Criteria: Ambry Variant Classification Scheme 2023. Collection method: clinical testing. Allele origin: germline.
Comment: The p.M47L variant (also known as c.139A>T), located in coding exon 2 of the SDHAF2 gene, results from an A to T substitution at nucleotide position 139. The methionine at codon 47 is replaced by leucine, an amino acid with highly similar properties. This amino acid position is conserved. In addition, this alteration is predicted to be tolerated by in silico analysis. Since supporting evidence is limited at this time, the clinical significance of this alteration remains unclear.

NM_017841.4(SDHAF2):c.139A>T (p.Met47Leu)

Gene: SDHAF2 (succinate dehydrogenase complex assembly factor 2; plus strand). Cytogenetic location: 11q12.2.
Variant type: single nucleotide variant.
Coding change: c.139A>T on transcript NM_017841.4 (MANE Select); coding-DNA position 139, A replaced by T.
Protein change: p.Met47Leu; replaces methionine 47 with leucine.
Molecular consequence: missense variant.
Genome position (GRCh38, 1-based): chr11:61,437,727, A>T. VCF-style: chr11-61437727-A-T. GRCh37 (hg19) VCF-style: chr11-61205199-A-T.
Other names: short protein forms M47L.
Identifiers: ClinVar variation 2563439 (VCV002563439.2), dbSNP rs111402137, ClinGen allele CA380683279.